The following is an entry in ClinVar:

ClinVar aggregate classification (germline): Uncertain significance (1 of 4 stars; one submission).

Conditions:
Familial hemophagocytic lymphohistiocytosis 5. Also called: STXBP2-Related Familial Hemophagocytic Lymphohistiocytosis (STXBP2-fHLH). Identifiers: Orphanet 540, MedGen C2751293, MONDO:0013135, OMIM 613101.

Allele frequency attached by ClinVar (database versions not stated): TOPMed below 0.00001; ExAC 0.00001; gnomAD exomes 0.00001 and below 0.00001.
gnomAD v4.1: 1 of 1,612,034 alleles (0.000062%); highest among the groups gnomAD compares: Admixed American, 0.0017%; no homozygotes.

Submission:

Labcorp Genetics (formerly Invitae), Labcorp
Classification: Uncertain significance for Familial hemophagocytic lymphohistiocytosis 5. Last evaluated: 2025-05-05. Review status: criteria provided, single submitter. Criteria: Invitae Variant Classification Sherloc (09022015). Collection method: clinical testing. Allele origin: germline.
Comment: This sequence change replaces leucine, which is neutral and non-polar, with arginine, which is basic and polar, at codon 495 of the STXBP2 protein (p.Leu495Arg). This variant is present in population databases (rs777364957, gnomAD 0.006%). This variant has not been reported in the literature in individuals affected with STXBP2-related conditions. ClinVar contains an entry for this variant (Variation ID: 1435696). Invitae Evidence Modeling of protein sequence and biophysical properties (such as structural, functional, and spatial information, amino acid conservation, physicochemical variation, residue mobility, and thermodynamic stability) indicates that this missense variant is not expected to disrupt STXBP2 protein function with a negative predictive value of 95%. In summary, the available evidence is currently insufficient to determine the role of this variant in disease. Therefore, it has been classified as a Variant of Uncertain Significance.

NM_006949.4(STXBP2):c.1484T>G (p.Leu495Arg)

Gene: STXBP2 (syntaxin binding protein 2; plus strand). Cytogenetic location: 19p13.2.
Variant type: single nucleotide variant.
Coding change: c.1484T>G on transcript NM_006949.4 (MANE Select); coding-DNA position 1484, T replaced by G.
Protein change: p.Leu495Arg; replaces leucine 495 with arginine.
Molecular consequence: missense variant. On other transcripts: non-coding transcript variant (1).
Genome position (GRCh38, 1-based): chr19:7,647,193, T>G. VCF-style: chr19-7647193-T-G. GRCh37 (hg19) VCF-style: chr19-7712079-T-G.
Other names: c.1475T>G, p.Leu492Arg (NM_001127396.3); c.1517T>G, p.Leu506Arg (NM_001272034.2); short protein forms L495R, L506R, L492R.
Identifiers: ClinVar variation 1435696 (VCV001435696.6), dbSNP rs777364957, ClinGen allele CA9144201.